The following is an entry in ClinVar:

NM_001127392.3(MYRF):c.129C>T (p.Ser43=)

Gene: MYRF (myelin regulatory factor; plus strand). Cytogenetic location: 11q12.2.
Variant type: single nucleotide variant.
Coding change: c.129C>T on transcript NM_001127392.3 (MANE Select); coding-DNA position 129, C replaced by T.
Protein change: p.Ser43=; no amino-acid change (serine 43 retained).
Molecular consequence: synonymous variant.
Genome position (GRCh38, 1-based): chr11:61,765,707, C>T. VCF-style: chr11-61765707-C-T. GRCh37 (hg19) VCF-style: chr11-61533179-C-T.
Other names: c.102C>T, p.Ser34= (NM_013279.4).
Identifiers: ClinVar variation 3057910 (VCV003057910.3), dbSNP rs372575659, ClinGen allele CA6037428.

ClinVar aggregate classification (germline): Likely benign. Review status: criteria provided, single submitter (1 of 4 stars). 2 submissions from 2 submitters: Likely benign (1). 1 of the submissions does not count toward it. Last evaluated 2024-10-17.

Conditions:
MYRF-related disorder. Also called: MYRF-related condition; MYRF-related disorders.

Allele frequency attached by ClinVar (database versions not stated): ExAC 0.00022; gnomAD 0.00024; TOPMed 0.00025; ESP Exome Variant Server 0.00054; gnomAD exomes 0.00067.
gnomAD v4.1: 991 of 1,611,794 alleles (0.061%); highest among the groups gnomAD compares: Non-Finnish European, 0.079%; 2 homozygotes.

Submissions (2):

Blueprint Genetics
Classification: Likely benign. Last evaluated: 2024-10-17. Review status: criteria provided, single submitter. Criteria: ACMG Guidelines, 2015. Collection method: clinical testing. Allele origin: germline.

PreventionGenetics, part of Exact Sciences
Classification: Likely benign for MYRF-related condition. Last evaluated: 2021-02-01. Review status: no assertion criteria provided. Collection method: clinical testing. Allele origin: germline. Not counted in ClinVar's aggregate classification.
Comment: This variant is classified as likely benign based on ACMG/AMP sequence variant interpretation guidelines (Richards et al. 2015 PMID: 25741868, with internal and published modifications).